The following is an entry in ClinVar:

ClinVar aggregate classification (germline): Likely benign. Review status: criteria provided, multiple submitters, no conflicts (2 of 4 stars). 2 submissions from 2 submitters: Likely benign (2). Last evaluated 2026-04-13.

Conditions:
DICER1-related tumor predisposition. Also called: DICER1-related pleuropulmonary blastoma cancer predisposition syndrome; DICER1 syndrome. Identifiers: Orphanet 284343, MedGen C3839822, MONDO:0100216.

Allele frequency attached by ClinVar (database versions not stated): TOPMed 0.00001; gnomAD 0.00001.
gnomAD v4.1: 1 of 1,612,750 alleles (0.000062%); highest among the groups gnomAD compares: Non-Finnish European, 0.000085%; no homozygotes.

Submissions (2):

Myriad Genetics, Inc.
Classification: Likely benign for DICER1-related tumor predisposition. Last evaluated: 2026-04-13. Review status: criteria provided, single submitter. Criteria: Myriad Autosomal Dominant, Autosomal Recessive and X-Linked Classification Criteria (2023). Collection method: clinical testing. Allele origin: unknown.
Comment: This variant is considered likely benign. This variant is intronic and is not expected to impact mRNA splicing.

Labcorp Genetics (formerly Invitae), Labcorp
Classification: Likely benign for DICER1-related tumor predisposition. Last evaluated: 2024-08-29. Review status: criteria provided, single submitter. Criteria: Invitae Variant Classification Sherloc (09022015). Collection method: clinical testing. Allele origin: germline.

NM_177438.3(DICER1):c.1377-17G>C

Gene: DICER1 (dicer 1, ribonuclease III; minus strand). Cytogenetic location: 14q32.13.
Variant type: single nucleotide variant.
Coding change: c.1377-17G>C on transcript NM_177438.3 (MANE Select); 17 bases into the intron before coding-DNA position 1377, G replaced by C.
Molecular consequence: intron variant.
Genome position (GRCh38, 1-based): chr14:95,117,771, C>G on the plus strand (G>C on the coding strand, the complement: DICER1 is on the minus strand). VCF-style: chr14-95117771-C-G. GRCh37 (hg19) VCF-style: chr14-95584108-C-G.
Other names: c.1377-17G>C (NM_001291628.2, NM_030621.4, NM_001271282.3 and 1 more transcripts).
Identifiers: ClinVar variation 1560989 (VCV001560989.10), dbSNP rs1296366186, ClinGen allele CA615845756.
Genomic context (GRCh38, chr14:95,117,771, plus strand): 5'-TATAAGCCAGCTCTGGATCTTGTTTGCCAGCTTCCTTTATCAATCTAAGAAAATTATACA[C>G]ATTTGGAAGTTAAACGTTGCTGAAAGAAAATAAACTTTTGTTTTTAAAGCCTCCTTTAAA-3'